The following is an entry in ClinVar:

ClinVar aggregate classification (germline): Uncertain significance (1 of 4 stars; one submission).

gnomAD v4.1: 2 of 1,600,512 alleles (0.00012%); highest among the groups gnomAD compares: Non-Finnish European, 0.00017%; no homozygotes.

Submission:

Labcorp Genetics (formerly Invitae), Labcorp
Classification: Uncertain significance. Last evaluated: 2024-05-08. Review status: criteria provided, single submitter. Criteria: Invitae Variant Classification Sherloc (09022015). Collection method: clinical testing. Allele origin: germline.
Comment: This sequence change replaces glycine, which is neutral and non-polar, with serine, which is neutral and polar, at codon 506 of the F12 protein (p.Gly506Ser). This variant is present in population databases (no rsID available, gnomAD 0.007%). This variant has not been reported in the literature in individuals affected with F12-related conditions. Advanced modeling of protein sequence and biophysical properties (such as structural, functional, and spatial information, amino acid conservation, physicochemical variation, residue mobility, and thermodynamic stability) performed at Invitae indicates that this missense variant is expected to disrupt F12 protein function with a positive predictive value of 80%. In summary, the available evidence is currently insufficient to determine the role of this variant in disease. Therefore, it has been classified as a Variant of Uncertain Significance.

NM_000505.4(F12):c.1516G>A (p.Gly506Ser)

Gene: F12 (coagulation factor XII; minus strand). Cytogenetic location: 5q35.3.
Variant type: single nucleotide variant.
Coding change: c.1516G>A on transcript NM_000505.4 (MANE Select); coding-DNA position 1516, G replaced by A.
Protein change: p.Gly506Ser; replaces glycine 506 with serine.
Molecular consequence: missense variant.
Genome position (GRCh38, 1-based): chr5:177,403,269, C>T on the plus strand (G>A on the coding strand, the complement: F12 is on the minus strand). VCF-style: chr5-177403269-C-T. GRCh37 (hg19) VCF-style: chr5-176830270-C-T.
Other names: short protein forms G506S.
Identifiers: ClinVar variation 3701394 (VCV003701394.2).